The following is an entry in ClinVar:

ClinVar aggregate classification (germline): not provided (0 of 4 stars; one submission).

Conditions:
Large for gestational age. Identifiers: MedGen C1848395, HP:0001520.

Submission:

Institute of Molecular and Cell Biology, University of Tartu
No classification provided. Condition: Large for gestational age. Review status: no classification provided. Collection method: case-control. Allele origin: unknown. Affected: yes. Study: Kasak2014.
Comment: The study aimed to determine the contribution of copy number variants in the genetic etiology of normal and complicated pregnancies. The samples represented (i) maternal blood DNA drawn from healthy pregnant women during 1st or 2nd trimester and (ii) maternal and paternal blood DNA drawn at term pregnancy cases representing normal and complicated gestations (severe preeclampsia, PE; gestational diabetes, GD; small-for-gestational age newborn, SGA; large-for-gestational age newborn, LGA). We performed CNV calling based on genome-wide genotyping dataset (Illumina HumanOmniExpress-24-v1 BeadChip) by applying three algorithms, QuantiSNP, GADA (Genome Alteration Detection Algorithm) and CNstream in parallel. The acquired CNV calls were merged with HD-CNV (Hotspot Detector for Copy Number Variants) program and only the CNVs predicted by at least two programs, were considered in subsequent analysis.

Literature cited by the submitters: PubMed 25666259.

NM_001104554.1(PAQR5):c.*88_*39158dup

Genes: KIF23 (kinesin family member 23; plus strand), KIF23-AS1 (KIF23 and PAQR5 antisense RNA 1; minus strand), PAQR5 (progestin and adipoQ receptor family member 5; plus strand), LOC130057396 (ATAC-STARR-seq lymphoblastoid silent region 6598; plus strand), LOC130057397 (ATAC-STARR-seq lymphoblastoid silent region 6599; plus strand). Cytogenetic location: 15q23.
Variant type: Duplication.
Coding change: c.*88_*39158dup on transcript NM_001104554.1; 88 bases downstream of the stop codon through 39158 bases downstream of the stop codon, this stretch duplicated.
Identifiers: ClinVar variation 157350 (VCV000157350.2).